The following is an entry in ClinVar:

NM_001101362.3(KBTBD13):c.*699G>A

Gene: KBTBD13 (kelch repeat and BTB domain containing 13; plus strand). Cytogenetic location: 15q22.31.
Variant type: single nucleotide variant.
Coding change: c.*699G>A on transcript NM_001101362.3 (MANE Select); 699 bases downstream of the stop codon, G replaced by A.
Molecular consequence: 3 prime UTR variant.
Genome position (GRCh38, 1-based): chr15:65,078,891, G>A. VCF-style: chr15-65078891-G-A. GRCh37 (hg19) VCF-style: chr15-65371229-G-A.
Identifiers: ClinVar variation 884444 (VCV000884444.4), dbSNP rs142860231, ClinGen allele CA271505617.

ClinVar aggregate classification (germline): Likely benign (1 of 4 stars; one submission).

Conditions:
Nemaline myopathy 6 (NEM6). Also called: Nemaline myopathy 6, autosomal dominant. Identifiers: Orphanet 171439, MedGen C1836472, MONDO:0012237, OMIM 609273.

Allele frequency attached by ClinVar (database versions not stated): gnomAD 0.00007 and 0.00013; TOPMed 0.00014; 1000 Genomes Project 0.00100; 1000 Genomes Project 30x 0.00109.
gnomAD v4.1: 20 of 152,324 alleles (0.013%); highest among the groups gnomAD compares: East Asian, 0.37%; 1 homozygote.

Submission:

Illumina Laboratory Services, Illumina
Classification: Likely benign for Nemaline myopathy 6. Last evaluated: 2018-01-12. Review status: criteria provided, single submitter. Criteria: ICSL Variant Classification Criteria 13 December 2019. Collection method: clinical testing. Allele origin: germline.
Comment: This variant was observed in the ICSL laboratory as part of a predisposition screen in an ostensibly healthy population. It had not been previously curated by ICSL or reported in the Human Gene Mutation Database (HGMD: prior to June 1st, 2018), and was therefore a candidate for classification through an automated scoring system. Utilizing variant allele frequency, disease prevalence and penetrance estimates, and inheritance mode, an automated score was calculated to assess if this variant is too frequent to cause the disease. Based on the score and internal cut-off values, a variant classified as likely benign is not then subjected to further curation. The score for this variant resulted in a classification of likely benign for this disease.